The following is an entry in ClinVar:

NM_000484.4(APP):c.819CAC[5] (p.Thr279_Thr280del)

Gene: APP (amyloid beta precursor protein; minus strand). Cytogenetic location: 21q21.3.
Variant type: Microsatellite.
Coding change: c.819CAC[5] on transcript NM_000484.4 (MANE Select); five copies in a row of the 3-base unit CAC starting at c.819; the reference has seven copies in a row; two copies, 6 bases deleted; also written c.834_839del.
Protein change: p.Thr279_Thr280del.
Molecular consequence: inframe deletion.
Genome position (GRCh38, 1-based): chr21:26,021,866-26,021,871, GTGGTG deleted on the plus strand (CACCAC on the coding strand, the reverse complement: APP is on the minus strand); deleting any 6 consecutive bases within chr21:26,021,866-26,021,887 gives the same sequence; the position shown is the placement nearest the transcript's 3' end. VCF-style (leftmost placement, unchanged base first): chr21-26021865-TGTGGTG-T. GRCh37 (hg19) VCF-style: chr21-27394181-TGTGGTG-T.
Other names: c.804CAC[5], p.Thr274_Thr275del (NM_001136016.3); c.651CAC[5], p.Thr223_Thr224del (NM_001136129.3, NM_001136130.3); c.714CAC[5], p.Thr244_Thr245del (NM_001136131.3); c.819CAC[5], p.Thr279_Thr280del (NM_001204301.2, NM_001204302.2, NM_001204303.2 and 3 more transcripts); c.834_839del6 (NM_000484.3); c.834_839del (NM_000484.3).
Identifiers: ClinVar variation 664060 (VCV000664060.11), dbSNP rs527890624, ClinGen allele CA9987552.
Genomic context (GRCh38, chr21:26,021,865, plus strand): 5'-GGGGGTGGGGGGAATCCAAGCAAATGGTGGATTACCTCGAACCACCTCTTCCACAGACTC[TGTGGTG>T]GTGGTGGTGGTGGTGGCAATGCTGGTGGTTCTCTCTGTGGCTTCTTCGTAGGGTTCCTCA-3'

ClinVar aggregate classification (germline): Uncertain significance. Review status: criteria provided, single submitter (1 of 4 stars). 2 submissions from 2 submitters: Uncertain significance (1). 1 of the submissions does not count toward it. Last evaluated 2026-01-09.

Conditions:
Alzheimer disease. Also called: Alzheimer's disease; Presenile and senile dementia. Identifiers: Orphanet 1020, MedGen C0002395, MeSH D000544, MONDO:0004975, HP:0002511.
APP-related disorder. Also called: APP-related condition.

Submissions (2):

Labcorp Genetics (formerly Invitae), Labcorp
Classification: Uncertain significance for Alzheimer disease. Last evaluated: 2026-01-09. Review status: criteria provided, single submitter. Criteria: Invitae Variant Classification Sherloc (09022015). Collection method: clinical testing. Allele origin: germline.
Comment: This variant, c.834_839del, results in the deletion of 2 amino acid(s) of the APP protein (p.Thr279_Thr280del), but otherwise preserves the integrity of the reading frame. This variant is present in population databases (rs762288013, gnomAD 0.01%). This variant has not been reported in the literature in individuals affected with APP-related conditions. ClinVar contains an entry for this variant (Variation ID: 664060). Experimental studies and prediction algorithms are not available or were not evaluated, and the functional significance of this variant is currently unknown. In summary, the available evidence is currently insufficient to determine the role of this variant in disease. Therefore, it has been classified as a Variant of Uncertain Significance.

PreventionGenetics, part of Exact Sciences
Classification: Uncertain significance for APP-related condition. Last evaluated: 2023-11-21. Review status: no assertion criteria provided. Collection method: clinical testing. Allele origin: germline. Not counted in ClinVar's aggregate classification.
Comment: The APP c.834_839del6 variant is predicted to result in an in-frame deletion (p.Thr279_Thr280del). To our knowledge, this variant has not been reported in the literature. This variant is reported in 0.015% of alleles in individuals of European (Non-Finnish) descent in gnomAD, which may be too common to be a primary cause of disease. Although we suspect that this variant may be benign, at this time, the clinical significance of this variant is uncertain due to the absence of conclusive functional and genetic evidence.